The following is an entry in ClinVar:

NM_003743.5(NCOA1):c.2428G>A (p.Asp810Asn)

Gene: NCOA1 (nuclear receptor coactivator 1; plus strand). Cytogenetic location: 2p23.3.
Variant type: single nucleotide variant.
Coding change: c.2428G>A on transcript NM_003743.5 (MANE Select); coding-DNA position 2428, G replaced by A.
Protein change: p.Asp810Asn; replaces aspartic acid 810 with asparagine.
Molecular consequence: missense variant.
Genome position (GRCh38, 1-based): chr2:24,710,940, G>A. VCF-style: chr2-24710940-G-A. GRCh37 (hg19) VCF-style: chr2-24933809-G-A.
Other names: c.2428G>A, p.Asp810Asn (NM_001362950.1, NM_001362952.1, NM_001362954.1 and 3 more transcripts); short protein forms D810N.
Identifiers: ClinVar variation 2391462 (VCV002391462.7), dbSNP rs200996024, ClinGen allele CA1552404.

ClinVar aggregate classification (germline): Uncertain significance. Review status: criteria provided, multiple submitters, no conflicts (2 of 4 stars). 2 submissions from 2 submitters: Uncertain significance (2). Last evaluated 2026-07-24.

Conditions:
NCOA1-related disorder. Also called: NCOA1-related condition.

Allele frequency attached by ClinVar (database versions not stated): ExAC 0.00003; gnomAD exomes 0.00003; 1000 Genomes Project 30x 0.00016; gnomAD 0.00017; 1000 Genomes Project 0.00020; TOPMed 0.00030.
gnomAD v4.1: 79 of 1,613,652 alleles (0.0049%); highest among the groups gnomAD compares: Admixed American, 0.11%; no homozygotes.

Submissions (2):

PreventionGenetics, part of Exact Sciences
Classification: Uncertain significance for NCOA1-related condition. Last evaluated: 2026-07-24. Review status: criteria provided, single submitter. Criteria: ACMG Guidelines, 2015. Collection method: clinical testing. Allele origin: germline.
Comment: The NCOA1 c.2428G>A variant is predicted to result in the amino acid substitution p.Asp810Asn. To our knowledge, this variant has not been reported in the literature. This variant is reported in 0.077% of alleles in individuals of Latino descent in gnomAD, which may be too common to be an undocumented cause of disease. Although we suspect that this variant may be benign, at this time, the clinical significance of this variant is uncertain due to the absence of conclusive functional and genetic evidence.

Ambry Genetics
Classification: Uncertain significance. Last evaluated: 2025-11-03. Review status: criteria provided, single submitter. Criteria: Ambry Variant Classification Scheme 2023. Collection method: clinical testing. Allele origin: germline.